The following is an entry in ClinVar:

ClinVar aggregate classification (germline): Uncertain significance. Review status: criteria provided, multiple submitters, no conflicts (2 of 4 stars). 3 submissions from 3 submitters: Uncertain significance (3). Last evaluated 2025-09-27.

Conditions:
Yoon-Bellen neurodevelopmental syndrome (YOBELN). Identifiers: MedGen C5562066, MONDO:0859221, OMIM 619701.
Inborn genetic diseases. Identifiers: MedGen C0950123, MeSH D030342.

Allele frequency attached by ClinVar (database versions not stated): ExAC 0.00006; gnomAD exomes 0.00006; gnomAD 0.00001; TOPMed 0.00001.
gnomAD v4.1: 86 of 1,613,986 alleles (0.0053%); highest among the groups gnomAD compares: Middle Eastern, 0.016%; no homozygotes.

Submissions (3):

Ambry Genetics
Classification: Uncertain significance for Inborn genetic diseases. Last evaluated: 2025-09-27. Review status: criteria provided, single submitter. Criteria: Ambry Variant Classification Scheme 2023. Collection method: clinical testing. Allele origin: germline.

Dasa
Classification: Uncertain significance for Yoon-Bellen neurodevelopmental syndrome. Last evaluated: 2025-01-06. Review status: criteria provided, single submitter. Criteria: DASA Assertion Criteria. Collection method: clinical testing. Allele origin: germline.
Comment: NM_018245.3(OGDHL):c.2273G>A (p.Arg758Gln) is a missense variant that results in the substitution of arginine with glutamine. This variant is rare in population databases. Computational prediction algorithms are consistent with a deleterious effect. The currently available literature and clinical evidence are not sufficient to establish a definitive association between this variant and the reported condition. Therefore, this variant is classified as a variant of uncertain significance.

ARUP Laboratories, Molecular Genetics and Genomics, ARUP Laboratories
Classification: Uncertain significance for Yoon-Bellen neurodevelopmental syndrome. Last evaluated: 2023-08-24. Review status: criteria provided, single submitter. Criteria: ARUP Molecular Germline Variant Investigation Process 2024. Collection method: clinical testing. Allele origin: germline.

NM_018245.3(OGDHL):c.2273G>A (p.Arg758Gln)

Gene: OGDHL (oxoglutarate dehydrogenase L; minus strand). Cytogenetic location: 10q11.23.
Variant type: single nucleotide variant.
Coding change: c.2273G>A on transcript NM_018245.3 (MANE Select); coding-DNA position 2273, G replaced by A.
Protein change: p.Arg758Gln; replaces arginine 758 with glutamine.
Molecular consequence: missense variant. On other transcripts: non-coding transcript variant (5).
Genome position (GRCh38, 1-based): chr10:49,739,707, C>T on the plus strand (G>A on the coding strand, the complement: OGDHL is on the minus strand). VCF-style: chr10-49739707-C-T. GRCh37 (hg19) VCF-style: chr10-50947753-C-T.
Other names: c.2102G>A, p.Arg701Gln (NM_001143996.2, NM_001347820.1); c.1646G>A, p.Arg549Gln (NM_001143997.2, NM_001347821.2, NM_001347822.1); c.2273G>A, p.Arg758Gln (NM_001347819.1); c.2093G>A, p.Arg698Gln (NM_001347823.1, NM_001347824.2); c.1466G>A, p.Arg489Gln (NM_001347825.2); c.1076G>A, p.Arg359Gln (NM_001347826.1); short protein forms R359Q, R489Q, R698Q, R701Q, R549Q, R758Q.
Identifiers: ClinVar variation 2203835 (VCV002203835.6), dbSNP rs756774519, ClinGen allele CA5498254.